The following is an entry in ClinVar:

ClinVar aggregate classification (germline): Uncertain significance. Review status: criteria provided, multiple submitters, no conflicts (2 of 4 stars). 3 submissions from 3 submitters: Uncertain significance (3). Last evaluated 2024-06-22.

Conditions:
Fanconi anemia (FA). Also called: Fanconi's anemia. Identifiers: Orphanet 84, MedGen C0015625, MeSH D005199, MONDO:0019391.
Spermatogenic failure 28. Identifiers: MedGen C4748117, MONDO:0054732, OMIM 618086.
Premature ovarian failure 15. Identifiers: MedGen C4748170, MONDO:0054862, OMIM 618096.

Allele frequency attached by ClinVar (database versions not stated): gnomAD exomes 0.00001; gnomAD 0.00002; TOPMed 0.00002.
gnomAD v4.1: 25 of 1,613,132 alleles (0.0015%); highest among the groups gnomAD compares: Non-Finnish European, 0.002%; no homozygotes.

Submissions (3):

Labcorp Genetics (formerly Invitae), Labcorp
Classification: Uncertain significance for Fanconi anemia. Last evaluated: 2024-06-22. Review status: criteria provided, single submitter. Criteria: Invitae Variant Classification Sherloc (09022015). Collection method: clinical testing. Allele origin: germline.
Comment: This sequence change replaces serine, which is neutral and polar, with leucine, which is neutral and non-polar, at codon 497 of the FANCM protein (p.Ser497Leu). This variant is present in population databases (no rsID available, gnomAD 0.0009%). This variant has not been reported in the literature in individuals affected with FANCM-related conditions. ClinVar contains an entry for this variant (Variation ID: 1023842). Algorithms developed to predict the effect of missense changes on protein structure and function output the following: SIFT: "Not Available"; PolyPhen-2: "Benign"; Align-GVGD: "Not Available". The leucine amino acid residue is found in multiple mammalian species, which suggests that this missense change does not adversely affect protein function. In summary, the available evidence is currently insufficient to determine the role of this variant in disease. Therefore, it has been classified as a Variant of Uncertain Significance.

GeneDx
Classification: Uncertain significance. Last evaluated: 2022-12-14. Review status: criteria provided, single submitter. Criteria: GeneDx Variant Classification Process June 2021. Collection method: clinical testing. Allele origin: germline. Affected: yes.
Comment: Not observed at significant frequency in large population cohorts (gnomAD); In silico analysis supports that this missense variant does not alter protein structure/function; Has not been previously published as pathogenic or benign to our knowledge

Fulgent Genetics
Classification: Uncertain significance for Spermatogenic failure 28; Premature ovarian failure 15. Last evaluated: 2022-04-04. Review status: criteria provided, single submitter. Criteria: ACMG Guidelines, 2015. Collection method: clinical testing. Allele origin: unknown.

NM_020937.4(FANCM):c.1490C>T (p.Ser497Leu)

Gene: FANCM (FA complementation group M; plus strand). Cytogenetic location: 14q21.2.
Variant type: single nucleotide variant.
Coding change: c.1490C>T on transcript NM_020937.4 (MANE Select); coding-DNA position 1490, C replaced by T.
Protein change: p.Ser497Leu; replaces serine 497 with leucine.
Molecular consequence: missense variant.
Genome position (GRCh38, 1-based): chr14:45,159,189, C>T. VCF-style: chr14-45159189-C-T. GRCh37 (hg19) VCF-style: chr14-45628392-C-T.
Other names: c.1412C>T, p.Ser471Leu (NM_001308133.2); c.1490C>T, p.Ser497Leu (NM_001308134.2); short protein forms S471L, S497L.
Identifiers: ClinVar variation 1023842 (VCV001023842.12), dbSNP rs1226481393, ClinGen allele CA389592562.
Genomic context (GRCh38, chr14:45,159,189, plus strand): 5'-CCCGAGTTATGATCTTCTCTTCATTTCGAGATAGTGTTCAAGAAATTGCAGAAATGCTTT[C>T]ACAGCATCAGCCAATTATTAGAGTAATGACTTTTGTCGGCCATGCCTCAGGGAAAAGCAC-3'
Protein context (NP_065988.1, residues 487-507): DSVQEIAEML[Ser497Leu]QHQPIIRVMT